The following is an entry in ClinVar:

ClinVar aggregate classification (germline): Uncertain significance (1 of 4 stars; one submission).

gnomAD v4.1: 3 of 1,613,656 alleles (0.00019%); highest among the groups gnomAD compares: East Asian, 0.0022%; no homozygotes.

Submission:

Labcorp Genetics (formerly Invitae), Labcorp
Classification: Uncertain significance. Last evaluated: 2022-08-16. Review status: criteria provided, single submitter. Criteria: Invitae Variant Classification Sherloc (09022015). Collection method: clinical testing. Allele origin: germline.
Comment: In summary, the available evidence is currently insufficient to determine the role of this variant in disease. Therefore, it has been classified as a Variant of Uncertain Significance. Advanced modeling of protein sequence and biophysical properties (such as structural, functional, and spatial information, amino acid conservation, physicochemical variation, residue mobility, and thermodynamic stability) performed at Invitae indicates that this missense variant is not expected to disrupt ABCC6 protein function. ClinVar contains an entry for this variant (Variation ID: 1360500). This variant has not been reported in the literature in individuals affected with ABCC6-related conditions. This variant is not present in population databases (gnomAD no frequency). This sequence change replaces valine, which is neutral and non-polar, with phenylalanine, which is neutral and non-polar, at codon 592 of the ABCC6 protein (p.Val592Phe).

NM_001171.6(ABCC6):c.1774G>T (p.Val592Phe)

Gene: ABCC6 (ATP binding cassette subfamily C member 6; minus strand). Cytogenetic location: 16p13.11.
Variant type: single nucleotide variant.
Coding change: c.1774G>T on transcript NM_001171.6 (MANE Select); coding-DNA position 1774, G replaced by T.
Protein change: p.Val592Phe; replaces valine 592 with phenylalanine.
Molecular consequence: missense variant. On other transcripts: non-coding transcript variant (1).
Genome position (GRCh38, 1-based): chr16:16,188,836, C>A on the plus strand (G>T on the coding strand, the complement: ABCC6 is on the minus strand). VCF-style: chr16-16188836-C-A. GRCh37 (hg19) VCF-style: chr16-16282693-C-A.
Other names: c.1432G>T, p.Val478Phe (NM_001351800.1); short protein forms V592F, V478F.
Identifiers: ClinVar variation 1360500 (VCV001360500.8), dbSNP rs190761354, ClinGen allele CA394889233.
Genomic context (GRCh38, chr16:16,188,836, plus strand): 5'-CAGGTGTAGCCCACGCACTCTCCCAGGATGGCTCCAGCCCTTGCACCCACCTCACCTGGA[C>A]GAGGGAGTGGATGGAGAAGGGCAGGAAAGCCTGGGCCTTGTTGAGGATGTTGAGAACTGT-3'
Protein context (NP_001162.5, residues 582-602): AFLPFSIHSL[Val592Phe]QARVSFDRLV